The following is an entry in ClinVar:

NM_000079.4(CHRNA1):c.838A>G (p.Ile280Val)

Gene: CHRNA1 (cholinergic receptor nicotinic alpha 1 subunit; minus strand). Cytogenetic location: 2q31.1.
Variant type: single nucleotide variant.
Coding change: c.838A>G on transcript NM_000079.4 (MANE Select); coding-DNA position 838, A replaced by G.
Protein change: p.Ile280Val; replaces isoleucine 280 with valine.
Molecular consequence: missense variant.
Genome position (GRCh38, 1-based): chr2:174,750,110, T>C on the plus strand (A>G on the coding strand, the complement: CHRNA1 is on the minus strand). VCF-style: chr2-174750110-T-C. GRCh37 (hg19) VCF-style: chr2-175614838-T-C.
Other names: c.913A>G, p.Ile305Val (NM_001039523.3); short protein forms I280V, I305V.
Identifiers: ClinVar variation 1053836 (VCV001053836.9), dbSNP rs1184577812, ClinGen allele CA349336818.

ClinVar aggregate classification (germline): Uncertain significance (1 of 4 stars; one submission).

Conditions:
Lethal multiple pterygium syndrome (LMPS). Identifiers: Orphanet 33108, MedGen C1854678, MONDO:0009668, OMIM 253290.

Allele frequency attached by ClinVar (database versions not stated): gnomAD exomes below 0.00001; gnomAD 0.00001.
gnomAD v4.1: 4 of 1,613,104 alleles (0.00025%); highest among the groups gnomAD compares: Non-Finnish European, 0.00034%; no homozygotes.

Submission:

Labcorp Genetics (formerly Invitae), Labcorp
Classification: Uncertain significance for Lethal multiple pterygium syndrome. Last evaluated: 2023-08-10. Review status: criteria provided, single submitter. Criteria: Invitae Variant Classification Sherloc (09022015). Collection method: clinical testing. Allele origin: germline.
Comment: This variant has not been reported in the literature in individuals affected with CHRNA1-related conditions. In summary, the available evidence is currently insufficient to determine the role of this variant in disease. Therefore, it has been classified as a Variant of Uncertain Significance. Advanced modeling of protein sequence and biophysical properties (such as structural, functional, and spatial information, amino acid conservation, physicochemical variation, residue mobility, and thermodynamic stability) performed at Invitae indicates that this missense variant is not expected to disrupt CHRNA1 protein function. ClinVar contains an entry for this variant (Variation ID: 1053836). This variant is present in population databases (no rsID available, gnomAD 0.0009%). This sequence change replaces isoleucine, which is neutral and non-polar, with valine, which is neutral and non-polar, at codon 280 of the CHRNA1 protein (p.Ile280Val).